The following is an entry in ClinVar:

ClinVar aggregate classification (germline): Uncertain significance. Review status: criteria provided, multiple submitters, no conflicts (2 of 4 stars). 2 submissions from 2 submitters: Uncertain significance (2). Last evaluated 2026-04-08.

Conditions:
MYH7B-related disorder. Also called: MYH7B-related condition.

Allele frequency attached by ClinVar (database versions not stated): ESP Exome Variant Server 0.00008; ExAC 0.00018; gnomAD 0.00019 and 0.00020; gnomAD exomes 0.00019 and 0.00022; TOPMed 0.00019.
gnomAD v4.1: 339 of 1,613,362 alleles (0.021%); highest among the groups gnomAD compares: Non-Finnish European, 0.027%; no homozygotes.

Submissions (2):

PreventionGenetics, part of Exact Sciences
Classification: Uncertain significance for MYH7B-related condition. Last evaluated: 2026-04-08. Review status: criteria provided, single submitter. Criteria: ACMG Guidelines, 2015. Collection method: clinical testing. Allele origin: germline.
Comment: The MYH7B c.3820C>T variant is predicted to result in the amino acid substitution p.Arg1274Cys. To our knowledge, this variant has not been reported in the literature. This variant is reported in 0.035% of alleles in individuals of European (Non-Finnish) descent in gnomAD. At this time, the clinical significance of this variant is uncertain due to the absence of conclusive functional and genetic evidence.

Labcorp Genetics (formerly Invitae), Labcorp
Classification: Uncertain significance. Last evaluated: 2025-05-22. Review status: criteria provided, single submitter. Criteria: Invitae Variant Classification Sherloc (09022015). Collection method: clinical testing. Allele origin: germline.
Comment: This sequence change replaces arginine, which is basic and polar, with cysteine, which is neutral and slightly polar, at codon 1274 of the MYH7B protein (p.Arg1274Cys). This variant is present in population databases (rs371853048, gnomAD 0.04%). This variant has not been reported in the literature in individuals affected with MYH7B-related conditions. ClinVar contains an entry for this variant (Variation ID: 1369081). Invitae Evidence Modeling of protein sequence and biophysical properties (such as structural, functional, and spatial information, amino acid conservation, physicochemical variation, residue mobility, and thermodynamic stability) indicates that this missense variant is expected to disrupt MYH7B protein function with a positive predictive value of 80%. In summary, the available evidence is currently insufficient to determine the role of this variant in disease. Therefore, it has been classified as a Variant of Uncertain Significance.

NM_020884.7(MYH7B):c.3694C>T (p.Arg1232Cys)

Gene: MYH7B (myosin heavy chain 7B; plus strand). Cytogenetic location: 20q11.22.
Variant type: single nucleotide variant.
Coding change: c.3694C>T on transcript NM_020884.7 (MANE Select); coding-DNA position 3694, C replaced by T.
Protein change: p.Arg1232Cys; replaces arginine 1232 with cysteine.
Molecular consequence: missense variant.
Genome position (GRCh38, 1-based): chr20:34,997,587, C>T. VCF-style: chr20-34997587-C-T. GRCh37 (hg19) VCF-style: chr20-33585390-C-T.
Other names: c.3820C>T (NM_020884.4); short protein forms R1232C.
Identifiers: ClinVar variation 1369081 (VCV001369081.6), dbSNP rs371853048, ClinGen allele CA9827813.